The following is an entry in ClinVar:

NM_000260.4(MYO7A):c.2235C>T (p.Thr745=)

Gene: MYO7A (myosin VIIA; plus strand). Cytogenetic location: 11q13.5.
Variant type: single nucleotide variant.
Coding change: c.2235C>T on transcript NM_000260.4 (MANE Select); coding-DNA position 2235, C replaced by T.
Protein change: p.Thr745=; no amino-acid change (threonine 745 retained).
Molecular consequence: synonymous variant.
Genome position (GRCh38, 1-based): chr11:77,177,596, C>T. VCF-style: chr11-77177596-C-T. GRCh37 (hg19) VCF-style: chr11-76888642-C-T.
Other names: c.2235C>T, p.Thr745= (NM_001127180.2); c.2202C>T, p.Thr734= (NM_001369365.1); c.2235C>T (NM_000260.3).
Identifiers: ClinVar variation 1152654 (VCV001152654.12), dbSNP rs782065768, ClinGen allele CA6197767.
Genomic context (GRCh38, chr11:77,177,596, plus strand): 5'-CTCTGCCTCCTAGGACCACCATGACATGCTGCTGGAAGTGGAGCGGGACAAAGCCATCAC[C>T]GACAGAGTCATCCTCCTTCAGAAAGTCATCCGGGGATTCAAAGACAGGTGCGTGTTCCCA-3'
Protein context (NP_000251.3, residues 735-755): LLEVERDKAI[Thr745=]DRVILLQKVI

ClinVar aggregate classification (germline): Likely benign. Review status: criteria provided, multiple submitters, no conflicts (2 of 4 stars). 3 submissions from 3 submitters: Likely benign (2). 1 of the submissions does not count toward it. Last evaluated 2025-03-17.

Conditions:
MYO7A-related disorder. Also called: MYO7A-related disorders.

Allele frequency attached by ClinVar (database versions not stated): gnomAD exomes 0.00002 and 0.00004; TOPMed 0.00003; gnomAD 0.00005.
gnomAD v4.1: 63 of 1,612,062 alleles (0.0039%); highest among the groups gnomAD compares: African/African-American, 0.0067%; 1 homozygote.

Submissions (3):

Labcorp Genetics (formerly Invitae), Labcorp
Classification: Likely benign. Last evaluated: 2025-03-17. Review status: criteria provided, single submitter. Criteria: Invitae Variant Classification Sherloc (09022015). Collection method: clinical testing. Allele origin: germline.

Blueprint Genetics
Classification: Likely benign. Last evaluated: 2023-03-10. Review status: criteria provided, single submitter. Criteria: ACMG Guidelines, 2015. Collection method: clinical testing. Allele origin: germline.

PreventionGenetics, part of Exact Sciences
Classification: Likely benign for MYO7A-related condition. Last evaluated: 2020-07-29. Review status: no assertion criteria provided. Collection method: clinical testing. Allele origin: germline. Not counted in ClinVar's aggregate classification.
Comment: This variant is classified as likely benign based on ACMG/AMP sequence variant interpretation guidelines (Richards et al. 2015 PMID: 25741868, with internal and published modifications).